The following is an entry in ClinVar:

ClinVar aggregate classification (germline): Uncertain significance (1 of 4 stars; one submission).

Conditions:
Hereditary cancer-predisposing syndrome. Also called: Neoplastic Syndromes, Hereditary; Tumor predisposition; Hereditary neoplastic syndrome; Hereditary Cancer Syndrome. Identifiers: Orphanet 140162, MedGen C0027672, MeSH D009386, MONDO:0015356.

Submission:

Ambry Genetics
Classification: Uncertain significance for Hereditary cancer-predisposing syndrome. Last evaluated: 2024-04-25. Review status: criteria provided, single submitter. Criteria: Ambry Variant Classification Scheme 2023. Collection method: clinical testing. Allele origin: germline.
Comment: The p.A1312S variant (also known as c.3934G>T), located in coding exon 31 of the POLE gene, results from a G to T substitution at nucleotide position 3934. The alanine at codon 1312 is replaced by serine, an amino acid with similar properties. This amino acid position is conserved. In addition, this alteration is predicted to be tolerated by in silico analysis. Based on the available evidence, the clinical significance of this variant remains unclear.

NM_006231.4(POLE):c.3934G>T (p.Ala1312Ser)

Gene: POLE (DNA polymerase epsilon, catalytic subunit; minus strand). Cytogenetic location: 12q24.33.
Variant type: single nucleotide variant.
Coding change: c.3934G>T on transcript NM_006231.4 (MANE Select); coding-DNA position 3934, G replaced by T.
Protein change: p.Ala1312Ser; replaces alanine 1312 with serine.
Molecular consequence: missense variant.
Genome position (GRCh38, 1-based): chr12:132,649,377, C>A on the plus strand (G>T on the coding strand, the complement: POLE is on the minus strand). VCF-style: chr12-132649377-C-A. GRCh37 (hg19) VCF-style: chr12-133225963-C-A.
Other names: short protein forms A1312S.
Identifiers: ClinVar variation 3308391 (VCV003308391.1).